The following is an entry in ClinVar:

NM_032043.3(BRIP1):c.243A>G (p.Glu81=)

Gene: BRIP1 (BRCA1 interacting DNA helicase 1; minus strand). Cytogenetic location: 17q23.2.
Variant type: single nucleotide variant.
Coding change: c.243A>G on transcript NM_032043.3 (MANE Select); coding-DNA position 243, A replaced by G.
Protein change: p.Glu81=; no amino-acid change (glutamic acid 81 retained).
Molecular consequence: synonymous variant.
Genome position (GRCh38, 1-based): chr17:61,857,194, T>C on the plus strand (A>G on the coding strand, the complement: BRIP1 is on the minus strand). VCF-style: chr17-61857194-T-C. GRCh37 (hg19) VCF-style: chr17-59934555-T-C.
Identifiers: ClinVar variation 3379291 (VCV003379291.1).

ClinVar aggregate classification (germline): Benign (1 of 4 stars; one submission).

Conditions:
Familial cancer of breast. Also called: hereditary breast carcinoma; Hereditary breast cancer; BREAST CANCER, FAMILIAL. Identifiers: Orphanet 227535, MedGen C0346153, MONDO:0016419, OMIM 114480. Disease mechanism: loss of function.

Submission:

Myriad Genetics, Inc.
Classification: Benign for Familial cancer of breast. Last evaluated: 2024-08-09. Review status: criteria provided, single submitter. Criteria: Myriad Autosomal Dominant, Autosomal Recessive and X-Linked Classification Criteria (2023). Collection method: clinical testing. Allele origin: unknown.
Comment: This variant is considered benign. This variant is a silent/synonymous amino acid change and it is not expected to impact splicing.